The following is an entry in ClinVar:

ClinVar aggregate classification (germline): Conflicting classifications of pathogenicity. Review status: criteria provided, conflicting classifications (1 of 4 stars). 3 submissions from 3 submitters: Uncertain significance (2); Likely benign (1). Last evaluated 2025-02-12.

Conditions:
Left ventricular noncompaction 8 (LVNC8). Identifiers: Orphanet 154, Orphanet 54260, MedGen C3809288, MONDO:0014152, OMIM 615373.
Inborn genetic diseases. Identifiers: MedGen C0950123, MeSH D030342.

Allele frequency attached by ClinVar (database versions not stated): gnomAD 0.00001; ExAC 0.00005; 1000 Genomes Project 30x 0.00016; 1000 Genomes Project 0.00020.
gnomAD v4.1: 38 of 1,613,740 alleles (0.0024%); highest among the groups gnomAD compares: South Asian, 0.033%; 1 homozygote.

Submissions (3):

Labcorp Genetics (formerly Invitae), Labcorp
Classification: Uncertain significance for Left ventricular noncompaction 8. Last evaluated: 2025-02-12. Review status: criteria provided, single submitter. Criteria: Invitae Variant Classification Sherloc (09022015). Collection method: clinical testing. Allele origin: germline.
Comment: This sequence change replaces alanine, which is neutral and non-polar, with threonine, which is neutral and polar, at codon 165 of the PRDM16 protein (p.Ala165Thr). This variant is present in population databases (rs561382082, gnomAD 0.03%). This variant has not been reported in the literature in individuals affected with PRDM16-related conditions. ClinVar contains an entry for this variant (Variation ID: 2242540). An algorithm developed to predict the effect of missense changes on protein structure and function (PolyPhen-2) suggests that this variant is likely to be tolerated. In summary, the available evidence is currently insufficient to determine the role of this variant in disease. Therefore, it has been classified as a Variant of Uncertain Significance.

Ambry Genetics
Classification: Uncertain significance for Inborn genetic diseases. Last evaluated: 2021-08-10. Review status: criteria provided, single submitter. Criteria: Ambry Variant Classification Scheme 2023. Collection method: clinical testing. Allele origin: germline.

Blueprint Genetics
Classification: Likely benign. Last evaluated: 2018-12-14. Review status: criteria provided, single submitter. Criteria: ACMG Guidelines, 2015. Collection method: clinical testing. Allele origin: germline.

NM_022114.4(PRDM16):c.493G>A (p.Ala165Thr)

Gene: PRDM16 (PR/SET domain 16; plus strand). Cytogenetic location: 1p36.32.
Variant type: single nucleotide variant.
Coding change: c.493G>A on transcript NM_022114.4 (MANE Select); coding-DNA position 493, G replaced by A.
Protein change: p.Ala165Thr; replaces alanine 165 with threonine.
Molecular consequence: missense variant.
Genome position (GRCh38, 1-based): chr1:3,385,206, G>A. VCF-style: chr1-3385206-G-A. GRCh37 (hg19) VCF-style: chr1-3301770-G-A.
Other names: c.493G>A, p.Ala165Thr (NM_199454.3); short protein forms A165T.
Identifiers: ClinVar variation 2242540 (VCV002242540.4), dbSNP rs561382082, ClinGen allele CA543838.